The following is an entry in ClinVar:

NM_006231.4(POLE):c.74C>T (p.Ala25Val)

Gene: POLE (DNA polymerase epsilon, catalytic subunit; minus strand). Cytogenetic location: 12q24.33.
Variant type: single nucleotide variant.
Coding change: c.74C>T on transcript NM_006231.4 (MANE Select); coding-DNA position 74, C replaced by T.
Protein change: p.Ala25Val; replaces alanine 25 with valine.
Molecular consequence: missense variant.
Genome position (GRCh38, 1-based): chr12:132,681,268, G>A on the plus strand (C>T on the coding strand, the complement: POLE is on the minus strand). VCF-style: chr12-132681268-G-A. GRCh37 (hg19) VCF-style: chr12-133257854-G-A.
Other names: c.74C>T (NM_006231.2); short protein forms A25V.
Identifiers: ClinVar variation 473826 (VCV000473826.13), dbSNP rs561834381, ClinGen allele CA387370652.

ClinVar aggregate classification (germline): Uncertain significance. Review status: criteria provided, multiple submitters, no conflicts (2 of 4 stars). 2 submissions from 2 submitters: Uncertain significance (2). Last evaluated 2025-09-25.

Conditions:
Hereditary cancer-predisposing syndrome. Also called: Neoplastic Syndromes, Hereditary; Tumor predisposition; Hereditary Cancer Syndrome; Hereditary neoplastic syndrome. Identifiers: Orphanet 140162, MedGen C0027672, MeSH D009386, MONDO:0015356.

Submissions (2):

Ambry Genetics
Classification: Uncertain significance for Hereditary cancer-predisposing syndrome. Last evaluated: 2025-09-25. Review status: criteria provided, single submitter. Criteria: Ambry Variant Classification Scheme 2023. Collection method: clinical testing. Allele origin: germline.
Comment: The p.A25V variant (also known as c.74C>T), located in coding exon 2 of the POLE gene, results from a C to T substitution at nucleotide position 74. The alanine at codon 25 is replaced by valine, an amino acid with similar properties. This amino acid position is conserved. In addition, this alteration is predicted to be tolerated by in silico analysis. Since supporting evidence is limited at this time, the clinical significance of this alteration remains unclear.

Labcorp Genetics (formerly Invitae), Labcorp
Classification: Uncertain significance. Last evaluated: 2023-10-26. Review status: criteria provided, single submitter. Criteria: Invitae Variant Classification Sherloc (09022015). Collection method: clinical testing. Allele origin: germline.
Comment: This sequence change replaces alanine, which is neutral and non-polar, with valine, which is neutral and non-polar, at codon 25 of the POLE protein (p.Ala25Val). This variant is not present in population databases (gnomAD no frequency). This variant has not been reported in the literature in individuals affected with POLE-related conditions. ClinVar contains an entry for this variant (Variation ID: 473826). An algorithm developed to predict the effect of missense changes on protein structure and function (PolyPhen-2) suggests that this variant is likely to be tolerated. In summary, the available evidence is currently insufficient to determine the role of this variant in disease. Therefore, it has been classified as a Variant of Uncertain Significance.